The following is an entry in ClinVar:

NM_003239.5(TGFB3):c.614C>A (p.Thr205Asn)

Gene: TGFB3 (transforming growth factor beta 3; minus strand). Cytogenetic location: 14q24.3.
Variant type: single nucleotide variant.
Coding change: c.614C>A on transcript NM_003239.5 (MANE Select); coding-DNA position 614, C replaced by A.
Protein change: p.Thr205Asn; replaces threonine 205 with asparagine.
Molecular consequence: missense variant.
Genome position (GRCh38, 1-based): chr14:75,971,158, G>T on the plus strand (C>A on the coding strand, the complement: TGFB3 is on the minus strand). VCF-style: chr14-75971158-G-T. GRCh37 (hg19) VCF-style: chr14-76437501-G-T.
Other names: c.614C>A, p.Thr205Asn (NM_001329938.2, NM_001329939.2); short protein forms T205N.
Identifiers: ClinVar variation 1708584 (VCV001708584.2), dbSNP rs2504110518, ClinGen allele CA390469451.

ClinVar aggregate classification (germline): Uncertain significance (1 of 4 stars; one submission).

Submission:

GeneDx
Classification: Uncertain significance. Last evaluated: 2022-10-05. Review status: criteria provided, single submitter. Criteria: GeneDx Variant Classification Process June 2021. Collection method: clinical testing. Allele origin: germline. Affected: yes.
Comment: Has not been previously published as pathogenic or benign to our knowledge; Not observed at significant frequency in large population cohorts (gnomAD); In silico analysis supports that this missense variant has a deleterious effect on protein structure/function